The following is an entry in ClinVar:

NM_000135.4(FANCA):c.4274G>T (p.Arg1425Leu)

Genes: FANCA (FA complementation group A; minus strand), ZNF276 (zinc finger protein 276; plus strand). Cytogenetic location: 16q24.3.
Variant type: single nucleotide variant.
Coding change: c.4274G>T on transcript NM_000135.4 (MANE Select); coding-DNA position 4274, G replaced by T.
Protein change: p.Arg1425Leu; replaces arginine 1425 with leucine.
Molecular consequence: missense variant. On other transcripts: 3 prime UTR variant (3), non-coding transcript variant (4).
Genome position (GRCh38, 1-based): chr16:89,738,695, C>A on the plus strand (G>T on the coding strand, the complement: FANCA is on the minus strand). VCF-style: chr16-89738695-C-A. GRCh37 (hg19) VCF-style: chr16-89805103-C-A.
Other names: c.*3G>T (NM_001286167.3); c.*449C>A (NM_001113525.2, NM_152287.4); short protein forms R1425L.
Identifiers: ClinVar variation 4619226 (VCV004619226.1).

ClinVar aggregate classification (germline): Uncertain significance (1 of 4 stars; one submission).

Conditions:
Inborn genetic diseases. Identifiers: MedGen C0950123, MeSH D030342.

gnomAD v4.1: 2 of 1,613,960 alleles (0.00012%); highest among the groups gnomAD compares: Non-Finnish European, 0.00017%; no homozygotes.

Submission:

Ambry Genetics
Classification: Uncertain significance for Inborn genetic diseases. Last evaluated: 2025-10-27. Review status: criteria provided, single submitter. Criteria: Ambry Variant Classification Scheme 2023. Collection method: clinical testing. Allele origin: germline.
Comment: The p.R1425L variant (also known as c.4274G>T), located in coding exon 43 of the FANCA gene, results from a G to T substitution at nucleotide position 4274. The arginine at codon 1425 is replaced by leucine, an amino acid with dissimilar properties. This amino acid position is conserved. In addition, this alteration is predicted to be tolerated by in silico analysis. Based on the available evidence, the clinical significance of this variant remains unclear.